The following is an entry in ClinVar:

NM_000088.4(COL1A1):c.2080G>T (p.Ala694Ser)

Gene: COL1A1 (collagen type I alpha 1 chain; minus strand). Cytogenetic location: 17q21.33.
Variant type: single nucleotide variant.
Coding change: c.2080G>T on transcript NM_000088.4 (MANE Select); coding-DNA position 2080, G replaced by T.
Protein change: p.Ala694Ser; replaces alanine 694 with serine.
Molecular consequence: missense variant.
Genome position (GRCh38, 1-based): chr17:50,191,835, C>A on the plus strand (G>T on the coding strand, the complement: COL1A1 is on the minus strand). VCF-style: chr17-50191835-C-A. GRCh37 (hg19) VCF-style: chr17-48269196-C-A.
Other names: short protein forms A694S.
Identifiers: ClinVar variation 4748710 (VCV004748710.1).

ClinVar aggregate classification (germline): Uncertain significance (1 of 4 stars; one submission).

Conditions:
Osteogenesis imperfecta type I (OI1). Also called: Lobstein's Disease; Lobstein disease; Classic Non-deforming Osteogenesis Imperfecta with Blue Sclerae; OI, TYPE I; OSTEOGENESIS IMPERFECTA TARDA; OSTEOGENESIS IMPERFECTA WITH BLUE SCLERAE. Identifiers: Orphanet 216796, Orphanet 666, MedGen C0023931, MONDO:0008146, OMIM 166200. Disease mechanism: loss of function.

Submission:

Labcorp Genetics (formerly Invitae), Labcorp
Classification: Uncertain significance for Osteogenesis imperfecta type I. Last evaluated: 2025-09-10. Review status: criteria provided, single submitter. Criteria: Invitae Variant Classification Sherloc (09022015). Collection method: clinical testing. Allele origin: germline.
Comment: This sequence change replaces alanine, which is neutral and non-polar, with serine, which is neutral and polar, at codon 694 of the COL1A1 protein (p.Ala694Ser). This variant is not present in population databases (gnomAD no frequency). This variant has not been reported in the literature in individuals affected with COL1A1-related conditions. Invitae Evidence Modeling of protein sequence and biophysical properties (such as structural, functional, and spatial information, amino acid conservation, physicochemical variation, residue mobility, and thermodynamic stability) indicates that this missense variant is not expected to disrupt COL1A1 protein function with a negative predictive value of 95%. In summary, the available evidence is currently insufficient to determine the role of this variant in disease. Therefore, it has been classified as a Variant of Uncertain Significance.